The following is an entry in ClinVar:

NM_138927.4(SON):c.4839A>C (p.Glu1613Asp)

Gene: SON (SON DNA and RNA binding protein; plus strand). Cytogenetic location: 21q22.11.
Variant type: single nucleotide variant.
Coding change: c.4839A>C on transcript NM_138927.4 (MANE Select); coding-DNA position 4839, A replaced by C.
Protein change: p.Glu1613Asp; replaces glutamic acid 1613 with aspartic acid.
Molecular consequence: missense variant. On other transcripts: non-coding transcript variant (1), intron variant (1).
Genome position (GRCh38, 1-based): chr21:33,554,070, A>C. VCF-style: chr21-33554070-A-C. GRCh37 (hg19) VCF-style: chr21-34926376-A-C.
Other names: c.4839A>C, p.Glu1613Asp (NM_001291411.2, NM_001412133.1, NM_032195.3 and 2 more transcripts); c.245-3086A>C (NM_001291412.3); short protein forms E1613D.
Identifiers: ClinVar variation 1977992 (VCV001977992.5), dbSNP rs144074002, ClinGen allele CA10009608.

ClinVar aggregate classification (germline): Uncertain significance (1 of 4 stars; one submission).

Allele frequency attached by ClinVar (database versions not stated): ESP Exome Variant Server 0.00008.
gnomAD v4.1: 14 of 1,613,986 alleles (0.00087%); highest among the groups gnomAD compares: African/African-American, 0.017%; no homozygotes.

Submission:

Labcorp Genetics (formerly Invitae), Labcorp
Classification: Uncertain significance. Last evaluated: 2023-06-09. Review status: criteria provided, single submitter. Criteria: Invitae Variant Classification Sherloc (09022015). Collection method: clinical testing. Allele origin: germline.
Comment: This variant is present in population databases (rs144074002, gnomAD 0.02%). This sequence change replaces glutamic acid, which is acidic and polar, with aspartic acid, which is acidic and polar, at codon 1613 of the SON protein (p.Glu1613Asp). This variant has not been reported in the literature in individuals affected with SON-related conditions. In summary, the available evidence is currently insufficient to determine the role of this variant in disease. Therefore, it has been classified as a Variant of Uncertain Significance. An algorithm developed to predict the effect of missense changes on protein structure and function (PolyPhen-2) suggests that this variant is likely to be disruptive. ClinVar contains an entry for this variant (Variation ID: 1977992).